The following is an entry in ClinVar:

ClinVar aggregate classification (germline): Uncertain significance (1 of 4 stars; one submission).

Conditions:
Primary ciliary dyskinesia. Also called: Ciliary dyskinesia. Identifiers: Orphanet 244, MedGen C0008780, MONDO:0016575, HP:0012265.

Allele frequency attached by ClinVar (database versions not stated): gnomAD exomes below 0.00001.
gnomAD v4.1: 1 of 1,313,822 alleles (0.000076%); highest among the groups gnomAD compares: Non-Finnish European, 0.000097%; no homozygotes.

Submission:

Labcorp Genetics (formerly Invitae), Labcorp
Classification: Uncertain significance for Primary ciliary dyskinesia. Last evaluated: 2022-05-20. Review status: criteria provided, single submitter. Criteria: Invitae Variant Classification Sherloc (09022015). Collection method: clinical testing. Allele origin: germline.
Comment: Algorithms developed to predict the effect of missense changes on protein structure and function are either unavailable or do not agree on the potential impact of this missense change (SIFT: "Tolerated"; PolyPhen-2: "Probably Damaging"; Align-GVGD: "Class C0"). In summary, the available evidence is currently insufficient to determine the role of this variant in disease. Therefore, it has been classified as a Variant of Uncertain Significance. This variant has not been reported in the literature in individuals affected with DNAAF5-related conditions. This variant is not present in population databases (gnomAD no frequency). This sequence change replaces arginine, which is basic and polar, with histidine, which is basic and polar, at codon 29 of the DNAAF5 protein (p.Arg29His).

NM_017802.4(DNAAF5):c.86G>A (p.Arg29His)

Genes: DNAAF5 (dynein axonemal assembly factor 5; plus strand), PRKAR1B (protein kinase cAMP-dependent type I regulatory subunit beta; minus strand), LOC129997730 (ATAC-STARR-seq lymphoblastoid silent region 17816; plus strand). Cytogenetic location: 7p22.3.
Variant type: single nucleotide variant.
Coding change: c.86G>A on transcript NM_017802.4 (MANE Select); coding-DNA position 86, G replaced by A.
Protein change: p.Arg29His; replaces arginine 29 with histidine.
Molecular consequence: missense variant. On other transcripts: non-coding transcript variant (1), intron variant (3).
Genome position (GRCh38, 1-based): chr7:726,806, G>A. VCF-style: chr7-726806-G-A. GRCh37 (hg19) VCF-style: chr7-766443-G-A.
Other names: c.-23+849C>T (NM_001164759.1); c.-23+784C>T (NM_001164758.2); c.-23+404C>T (NM_001164760.2); short protein forms R29H.
Identifiers: ClinVar variation 2006685 (VCV002006685.4), dbSNP rs2483999815, ClinGen allele CA366529725.